The following is an entry in ClinVar:

ClinVar aggregate classification (germline): Benign/Likely benign. Review status: criteria provided, multiple submitters, no conflicts (2 of 4 stars). 3 submissions from 3 submitters: Benign (1); Likely benign (2). Last evaluated 2025-09-14.

Conditions:
Hereditary cancer-predisposing syndrome. Also called: Tumor predisposition; Neoplastic Syndromes, Hereditary; Hereditary Cancer Syndrome; Hereditary neoplastic syndrome. Identifiers: Orphanet 140162, MedGen C0027672, MeSH D009386, MONDO:0015356.
BAP1-related tumor predisposition syndrome (TPDS1). Also called: Tumor susceptibility linked to germline BAP1 mutations; BAP1 tumor predisposition syndrome; COMMON Syndrome; TUMOR PREDISPOSITION SYNDROME 1. Identifiers: Orphanet 289539, MedGen C3280492, MONDO:0013692, OMIM 614327.

Submissions (3):

Ambry Genetics
Classification: Likely benign for Hereditary cancer-predisposing syndrome. Last evaluated: 2025-09-14. Review status: criteria provided, single submitter. Criteria: Ambry Variant Classification Scheme 2023. Collection method: clinical testing. Allele origin: germline.

Labcorp Genetics (formerly Invitae), Labcorp
Classification: Likely benign for BAP1-related tumor predisposition syndrome. Last evaluated: 2025-07-25. Review status: criteria provided, single submitter. Criteria: Invitae Variant Classification Sherloc (09022015). Collection method: clinical testing. Allele origin: germline.

Myriad Genetics, Inc.
Classification: Benign for BAP1-related tumor predisposition syndrome. Last evaluated: 2024-07-18. Review status: criteria provided, single submitter. Criteria: Myriad Autosomal Dominant, Autosomal Recessive and X-Linked Classification Criteria (2023). Collection method: clinical testing. Allele origin: unknown.
Comment: This variant is considered benign. This variant is a silent/synonymous amino acid change and it is not expected to impact splicing.

NM_004656.4(BAP1):c.2172C>T (p.Tyr724=)

Gene: BAP1 (BRCA1 associated deubiquitinase 1; minus strand). Cytogenetic location: 3p21.1.
Variant type: single nucleotide variant.
Coding change: c.2172C>T on transcript NM_004656.4 (MANE Select); coding-DNA position 2172, C replaced by T.
Protein change: p.Tyr724=; no amino-acid change (tyrosine 724 retained).
Molecular consequence: synonymous variant.
Genome position (GRCh38, 1-based): chr3:52,402,306, G>A on the plus strand (C>T on the coding strand, the complement: BAP1 is on the minus strand). VCF-style: chr3-52402306-G-A. GRCh37 (hg19) VCF-style: chr3-52436322-G-A.
Other names: c.2172C>T (NM_004656.2).
Identifiers: ClinVar variation 1579513 (VCV001579513.10), dbSNP rs2153226092, ClinGen allele CA433886133.
Genomic context (GRCh38, chr3:52,402,306, plus strand): 5'-CCACACGGCAAGAGTGGGCTGCAGAGTCAGGGCCAGCAGTCCTCACTGGCGCTTGGCCTT[G>A]TAGGGGCGAGAGCGTTTCCGCCGGTCAGGCTTCCGCTGCTTGTGGAGCCGGCCGATGCTG-3'
Protein context (NP_004647.1, residues 714-729): KPDRRKRSRP[Tyr724=]KAKRQ